The following is an entry in ClinVar:

ClinVar aggregate classification (germline): Uncertain significance (1 of 4 stars; one submission).

gnomAD v4.1: 6 of 1,211,963 alleles (0.0005%); highest among the groups gnomAD compares: African/African-American, 0.0017%; no homozygotes.

Submission:

Labcorp Genetics (formerly Invitae), Labcorp
Classification: Uncertain significance. Last evaluated: 2025-11-22. Review status: criteria provided, single submitter. Criteria: Invitae Variant Classification Sherloc (09022015). Collection method: clinical testing. Allele origin: germline.
Comment: This sequence change replaces threonine, which is neutral and polar, with methionine, which is neutral and non-polar, at codon 388 of the ATP6AP1 protein (p.Thr388Met). This variant is present in population databases (rs200598349, gnomAD 0.008%), including at least one homozygous and/or hemizygous individual. This variant has not been reported in the literature in individuals affected with ATP6AP1-related conditions. Invitae Evidence Modeling of protein sequence and biophysical properties (such as structural, functional, and spatial information, amino acid conservation, physicochemical variation, residue mobility, and thermodynamic stability) indicates that this missense variant is not expected to disrupt ATP6AP1 protein function with a negative predictive value of 80%. In summary, the available evidence is currently insufficient to determine the role of this variant in disease. Therefore, it has been classified as a Variant of Uncertain Significance.

NM_001183.6(ATP6AP1):c.1163C>T (p.Thr388Met)

Gene: ATP6AP1 (ATPase H+ transporting accessory protein 1; plus strand). Cytogenetic location: Xq28.
Variant type: single nucleotide variant.
Coding change: c.1163C>T on transcript NM_001183.6 (MANE Select); coding-DNA position 1163, C replaced by T.
Protein change: p.Thr388Met; replaces threonine 388 with methionine.
Molecular consequence: missense variant.
Genome position (GRCh38, 1-based): chrX:154,435,465, C>T. VCF-style: chrX-154435465-C-T. GRCh37 (hg19) VCF-style: chrX-153663811-C-T.
Other names: short protein forms T388M.
Identifiers: ClinVar variation 4779065 (VCV004779065.1).
Genomic context (GRCh38, chrX:154,435,465, plus strand): 5'-CCTTCCACTGCGAGTATGTCAGCAGCCTGAGCAAGAAGGGTAGTCTCCTCGTGGCCCGCA[C>T]GCAGCCCTCTCCCTGGCAGATGATGCTTCAGGACTTCCAGGTATGGAGCGGGCGTGGCCC-3'
Protein context (NP_001174.2, residues 378-398): SKKGSLLVAR[Thr388Met]QPSPWQMMLQ